The following is an entry in ClinVar:

ClinVar aggregate classification (germline): Uncertain significance (1 of 4 stars; one submission).

Conditions:
Neuronopathy, distal hereditary motor, type 2C. Also called: NEUROPATHY, DISTAL HEREDITARY MOTOR, AUTOSOMAL DOMINANT 4; NEURONOPATHY, DISTAL HEREDITARY MOTOR, HARDING TYPE IIC; NEUROPATHY, DISTAL HEREDITARY MOTOR, HARDING TYPE IIC; HMN IIC. Identifiers: Orphanet 139525, MedGen C3150619, MONDO:0013243, OMIM 613376.

Allele frequency attached by ClinVar (database versions not stated): gnomAD exomes below 0.00001.

Submission:

Labcorp Genetics (formerly Invitae), Labcorp
Classification: Uncertain significance for Neuronopathy, distal hereditary motor, type 2C. Last evaluated: 2023-10-15. Review status: criteria provided, single submitter. Criteria: Invitae Variant Classification Sherloc (09022015). Collection method: clinical testing. Allele origin: germline.
Comment: This sequence change replaces histidine, which is basic and polar, with arginine, which is basic and polar, at codon 70 of the HSPB3 protein (p.His70Arg). The frequency data for this variant in the population databases is considered unreliable, as metrics indicate poor data quality at this position in the gnomAD database. This variant has not been reported in the literature in individuals affected with HSPB3-related conditions. ClinVar contains an entry for this variant (Variation ID: 2173772). Algorithms developed to predict the effect of missense changes on protein structure and function output the following: SIFT: "Not Available"; PolyPhen-2: "Benign"; Align-GVGD: "Not Available". The arginine amino acid residue is found in multiple mammalian species, which suggests that this missense change does not adversely affect protein function. In summary, the available evidence is currently insufficient to determine the role of this variant in disease. Therefore, it has been classified as a Variant of Uncertain Significance.

NM_006308.3(HSPB3):c.209A>G (p.His70Arg)

Gene: HSPB3 (heat shock protein family B (small) member 3; plus strand). Cytogenetic location: 5q11.2.
Variant type: single nucleotide variant.
Coding change: c.209A>G on transcript NM_006308.3 (MANE Select); coding-DNA position 209, A replaced by G.
Protein change: p.His70Arg; replaces histidine 70 with arginine.
Molecular consequence: missense variant.
Genome position (GRCh38, 1-based): chr5:54,455,998, A>G. VCF-style: chr5-54455998-A-G. GRCh37 (hg19) VCF-style: chr5-53751828-A-G.
Other names: short protein forms H70R.
Identifiers: ClinVar variation 2173772 (VCV002173772.4), dbSNP rs1203075373, ClinGen allele CA359797338.